The following is an entry in ClinVar:

NM_001172509.2(SATB2):c.841C>G (p.Pro281Ala)

Gene: SATB2 (SATB homeobox 2; minus strand). Cytogenetic location: 2q33.1.
Variant type: single nucleotide variant.
Coding change: c.841C>G on transcript NM_001172509.2 (MANE Select); coding-DNA position 841, C replaced by G.
Protein change: p.Pro281Ala; replaces proline 281 with alanine.
Molecular consequence: missense variant.
Genome position (GRCh38, 1-based): chr2:199,349,033, G>C on the plus strand (C>G on the coding strand, the complement: SATB2 is on the minus strand). VCF-style: chr2-199349033-G-C. GRCh37 (hg19) VCF-style: chr2-200213756-G-C.
Other names: c.841C>G, p.Pro281Ala (NM_001172517.1, NM_015265.4); short protein forms P281A.
Identifiers: ClinVar variation 1341602 (VCV001341602.7), dbSNP rs752392251, ClinGen allele CA2045999.

ClinVar aggregate classification (germline): Uncertain significance. Review status: criteria provided, multiple submitters, no conflicts (2 of 4 stars). 3 submissions from 3 submitters: Uncertain significance (3). Last evaluated 2023-06-25.

Conditions:
Inborn genetic diseases. Identifiers: MedGen C0950123, MeSH D030342.
Chromosome 2q32-q33 deletion syndrome (GLASS). Also called: Glass syndrome; 2q33.1 deletion syndrome. Identifiers: Orphanet 251019, MedGen C2676739, MONDO:0012864, OMIM 612313.

Allele frequency attached by ClinVar (database versions not stated): ExAC 0.00001.
gnomAD v4.1: 1 of 1,614,132 alleles (0.000062%); highest among the groups gnomAD compares: Non-Finnish European, 0.000085%; no homozygotes.

Submissions (3):

Labcorp Genetics (formerly Invitae), Labcorp
Classification: Uncertain significance for Chromosome 2q32-q33 deletion syndrome. Last evaluated: 2023-06-25. Review status: criteria provided, single submitter. Criteria: Invitae Variant Classification Sherloc (09022015). Collection method: clinical testing. Allele origin: germline.
Comment: In summary, the available evidence is currently insufficient to determine the role of this variant in disease. Therefore, it has been classified as a Variant of Uncertain Significance. Advanced modeling of protein sequence and biophysical properties (such as structural, functional, and spatial information, amino acid conservation, physicochemical variation, residue mobility, and thermodynamic stability) performed at Invitae indicates that this missense variant is not expected to disrupt SATB2 protein function. ClinVar contains an entry for this variant (Variation ID: 1341602). This variant has not been reported in the literature in individuals affected with SATB2-related conditions. This variant is present in population databases (rs752392251, gnomAD 0.0009%). This sequence change replaces proline, which is neutral and non-polar, with alanine, which is neutral and non-polar, at codon 281 of the SATB2 protein (p.Pro281Ala).

GeneDx
Classification: Uncertain significance. Last evaluated: 2022-01-27. Review status: criteria provided, single submitter. Criteria: GeneDx Variant Classification Process June 2021. Collection method: clinical testing. Allele origin: germline. Affected: yes.
Comment: In silico analysis supports that this missense variant has a deleterious effect on protein structure/function; Has not been previously published as pathogenic or benign to our knowledge

Ambry Genetics
Classification: Uncertain significance for Inborn genetic diseases. Last evaluated: 2021-10-20. Review status: criteria provided, single submitter. Criteria: Ambry Variant Classification Scheme 2023. Collection method: clinical testing. Allele origin: germline.